The following is an entry in ClinVar:

NM_032108.4(SEMA6B):c.1725A>C (p.Leu575Phe)

Gene: SEMA6B (semaphorin 6B; minus strand). Cytogenetic location: 19p13.3.
Variant type: single nucleotide variant.
Coding change: c.1725A>C on transcript NM_032108.4 (MANE Select); coding-DNA position 1725, A replaced by C.
Protein change: p.Leu575Phe; replaces leucine 575 with phenylalanine.
Molecular consequence: missense variant.
Genome position (GRCh38, 1-based): chr19:4,546,229, T>G on the plus strand (A>C on the coding strand, the complement: SEMA6B is on the minus strand). VCF-style: chr19-4546229-T-G. GRCh37 (hg19) VCF-style: chr19-4546241-T-G.
Other names: short protein forms L575F.
Identifiers: ClinVar variation 5008073 (VCV005008073.1).

ClinVar aggregate classification (germline): Uncertain significance (1 of 4 stars; one submission).

Submission:

GeneDx
Classification: Uncertain significance. Last evaluated: 2026-03-02. Review status: criteria provided, single submitter. Criteria: GeneDx Variant Classification Process June 2021. Collection method: clinical testing. Allele origin: germline.
Comment: Not observed at significant frequency in large population cohorts (gnomAD); In silico analysis supports that this missense variant has a deleterious effect on protein structure/function; Has not been previously published as pathogenic or benign to our knowledge